The following is an entry in ClinVar:

NM_000548.5(TSC2):c.482-14C>A

Gene: TSC2 (TSC complex subunit 2; plus strand). Cytogenetic location: 16p13.3.
Variant type: single nucleotide variant.
Coding change: c.482-14C>A on transcript NM_000548.5 (MANE Select); 14 bases into the intron before coding-DNA position 482, C replaced by A.
Molecular consequence: intron variant.
Genome position (GRCh38, 1-based): chr16:2,055,388, C>A. VCF-style: chr16-2055388-C-A. GRCh37 (hg19) VCF-style: chr16-2105389-C-A.
Other names: c.482-14C>A (NM_001114382.3, NM_021055.3, NM_001370405.1 and 3 more transcripts); c.371-14C>A (NM_001318827.2); c.-1-808C>A (NM_001318831.2); c.335-14C>A (NM_001318829.2); c.515-14C>A (NM_001318832.2).
Identifiers: ClinVar variation 1358137 (VCV001358137.6), dbSNP rs757054946, ClinGen allele CA2573151799.

ClinVar aggregate classification (germline): Uncertain significance (1 of 4 stars; one submission).

Conditions:
Tuberous sclerosis 2 (TSC2). Identifiers: Orphanet 805, MedGen C1860707, MONDO:0013199, OMIM 613254.

Submission:

Labcorp Genetics (formerly Invitae), Labcorp
Classification: Uncertain significance for Tuberous sclerosis 2. Last evaluated: 2023-03-20. Review status: criteria provided, single submitter. Criteria: Invitae Variant Classification Sherloc (09022015). Collection method: clinical testing. Allele origin: germline.
Comment: In summary, the available evidence is currently insufficient to determine the role of this variant in disease. Therefore, it has been classified as a Variant of Uncertain Significance. Algorithms developed to predict the effect of sequence changes on RNA splicing suggest that this variant may disrupt the consensus splice site. ClinVar contains an entry for this variant (Variation ID: 1358137). This variant has not been reported in the literature in individuals affected with TSC2-related conditions. This variant is not present in population databases (gnomAD no frequency). This sequence change falls in intron 5 of the TSC2 gene. It does not directly change the encoded amino acid sequence of the TSC2 protein.